The following is an entry in ClinVar:

NM_004798.4(KIF3B):c.1629+3A>T

Gene: KIF3B (kinesin family member 3B; plus strand). Cytogenetic location: 20q11.21.
Variant type: single nucleotide variant.
Coding change: c.1629+3A>T on transcript NM_004798.4 (MANE Select); 3 bases into the intron after coding-DNA position 1629, A replaced by T.
Molecular consequence: intron variant.
Genome position (GRCh38, 1-based): chr20:32,316,652, A>T. VCF-style: chr20-32316652-A-T. GRCh37 (hg19) VCF-style: chr20-30904455-A-T.
Identifiers: ClinVar variation 4883735 (VCV004883735.2).

ClinVar aggregate classification (germline): Uncertain significance (1 of 4 stars; one submission).

Conditions:
Retinitis pigmentosa 89. Identifiers: MedGen C5394552, MONDO:0030071, OMIM 618955.

Submission:

Dasa
Classification: Uncertain significance for Retinitis pigmentosa 89. Last evaluated: 2025-10-26. Review status: criteria provided, single submitter. Criteria: DASA Assertion Criteria. Collection method: clinical testing. Allele origin: germline.
Comment: NM_004798.4(KIF3B):c.1629+3A>T is a splice-region variant predicted to affect normal RNA splicing. This variant is absent from population databases. Computational prediction algorithms are consistent with a deleterious effect. The currently available literature and clinical evidence are not sufficient to establish a definitive association between this variant and the reported condition. Therefore, this variant is classified as a variant of uncertain significance.